The following is an entry in ClinVar:

ClinVar aggregate classification (germline): Uncertain significance (1 of 4 stars; one submission).

Allele frequency attached by ClinVar (database versions not stated): gnomAD exomes 0.00001; ExAC 0.00002; gnomAD 0.00004; TOPMed 0.00004; ESP Exome Variant Server 0.00031.

Submission:

Labcorp Genetics (formerly Invitae), Labcorp
Classification: Uncertain significance. Last evaluated: 2023-07-14. Review status: criteria provided, single submitter. Criteria: Invitae Variant Classification Sherloc (09022015). Collection method: clinical testing. Allele origin: germline.
Comment: In summary, the available evidence is currently insufficient to determine the role of this variant in disease. Therefore, it has been classified as a Variant of Uncertain Significance. Algorithms developed to predict the effect of missense changes on protein structure and function output the following: SIFT: "Not Available"; PolyPhen-2: "Benign"; Align-GVGD: "Not Available". The serine amino acid residue is found in multiple mammalian species, which suggests that this missense change does not adversely affect protein function. This variant has not been reported in the literature in individuals affected with CAMTA1-related conditions. This variant is present in population databases (rs139090441, gnomAD 0.02%). This sequence change replaces glycine, which is neutral and non-polar, with serine, which is neutral and polar, at codon 383 of the CAMTA1 protein (p.Gly383Ser).

NM_015215.4(CAMTA1):c.1147G>A (p.Gly383Ser)

Gene: CAMTA1 (calmodulin binding transcription activator 1; plus strand). Cytogenetic location: 1p36.23.
Variant type: single nucleotide variant.
Coding change: c.1147G>A on transcript NM_015215.4 (MANE Select); coding-DNA position 1147, G replaced by A.
Protein change: p.Gly383Ser; replaces glycine 383 with serine.
Molecular consequence: missense variant.
Genome position (GRCh38, 1-based): chr1:7,663,694, G>A. VCF-style: chr1-7663694-G-A. GRCh37 (hg19) VCF-style: chr1-7723754-G-A.
Other names: c.1057G>A, p.Gly353Ser (NM_001349608.2, NM_001349612.2); c.1147G>A, p.Gly383Ser (NM_001349609.2, NM_001349610.2, NM_001410737.1); c.1075G>A, p.Gly359Ser (NM_001410738.1); short protein forms G383S, G353S, G359S.
Identifiers: ClinVar variation 2886531 (VCV002886531.3), dbSNP rs139090441, ClinGen allele CA566378.